The following is an entry in ClinVar:

NM_145698.5(ACBD5):c.778A>G (p.Ile260Val)

Gene: ACBD5 (acyl-CoA binding domain containing 5; minus strand). Cytogenetic location: 10p12.1.
Variant type: single nucleotide variant.
Coding change: c.778A>G on transcript NM_145698.5 (MANE Select); coding-DNA position 778, A replaced by G.
Protein change: p.Ile260Val; replaces isoleucine 260 with valine.
Molecular consequence: missense variant. On other transcripts: intron variant (6).
Genome position (GRCh38, 1-based): chr10:27,218,031, T>C on the plus strand (A>G on the coding strand, the complement: ACBD5 is on the minus strand). VCF-style: chr10-27218031-T-C. GRCh37 (hg19) VCF-style: chr10-27506960-T-C.
Other names: c.673A>G, p.Ile225Val (NM_001042473.4, NM_001352577.2, NM_001352578.2 and 1 more transcripts); c.772A>G, p.Ile258Val (NM_001271512.3); c.451A>G, p.Ile151Val (NM_001301251.2, NM_001301252.2, NM_001301253.2 and 2 more transcripts); c.832A>G, p.Ile278Val (NM_001352568.1); c.811A>G, p.Ile271Val (NM_001352569.1); c.778A>G, p.Ile260Val (NM_001352570.1); c.805A>G, p.Ile269Val (NM_001352571.1); c.799A>G, p.Ile267Val (NM_001352572.1); and 11 more; short protein forms I269V, I151V, I162V, I253V, I267V, I271V, I258V, I278V.
Identifiers: ClinVar variation 1500689 (VCV001500689.7), dbSNP rs750902549, ClinGen allele CA5450829.

ClinVar aggregate classification (germline): Conflicting classifications of pathogenicity. Review status: criteria provided, conflicting classifications (1 of 4 stars). 2 submissions from 2 submitters: Uncertain significance (1); Likely benign (1). Last evaluated 2023-06-29.

Conditions:
Inborn genetic diseases. Identifiers: MedGen C0950123, MeSH D030342.

Allele frequency attached by ClinVar (database versions not stated): gnomAD 0.00001; gnomAD exomes 0.00001 and 0.00004; ExAC 0.00002.
gnomAD v4.1: 9 of 1,614,064 alleles (0.00056%); highest among the groups gnomAD compares: East Asian, 0.018%; no homozygotes.

Submissions (2):

Ambry Genetics
Classification: Likely benign for Inborn genetic diseases. Last evaluated: 2023-06-29. Review status: criteria provided, single submitter. Criteria: Ambry Variant Classification Scheme 2023. Collection method: clinical testing. Allele origin: germline.

Labcorp Genetics (formerly Invitae), Labcorp
Classification: Uncertain significance. Last evaluated: 2022-08-16. Review status: criteria provided, single submitter. Criteria: Invitae Variant Classification Sherloc (09022015). Collection method: clinical testing. Allele origin: germline.
Comment: This sequence change replaces isoleucine, which is neutral and non-polar, with valine, which is neutral and non-polar, at codon 260 of the ACBD5 protein (p.Ile260Val). This variant is present in population databases (rs750902549, gnomAD 0.05%). This variant has not been reported in the literature in individuals affected with ACBD5-related conditions. ClinVar contains an entry for this variant (Variation ID: 1500689). Algorithms developed to predict the effect of missense changes on protein structure and function output the following: SIFT: "Tolerated"; PolyPhen-2: "Benign"; Align-GVGD: "Class C0". The valine amino acid residue is found in multiple mammalian species, which suggests that this missense change does not adversely affect protein function. In summary, the available evidence is currently insufficient to determine the role of this variant in disease. Therefore, it has been classified as a Variant of Uncertain Significance.